The following is an entry in ClinVar:

ClinVar aggregate classification (germline): Conflicting classifications of pathogenicity. Review status: criteria provided, conflicting classifications (1 of 4 stars). 3 submissions from 3 submitters: Uncertain significance (2); Likely benign (1). Last evaluated 2025-11-15.

Conditions:
Retinitis pigmentosa 1 (RP1). Identifiers: Orphanet 791, MedGen C0220701, MONDO:0008377, OMIM 180100.

Allele frequency attached by ClinVar (database versions not stated): gnomAD exomes below 0.00001 and 0.00005; TOPMed 0.00001; gnomAD 0.00004; ExAC 0.00005.
gnomAD v4.1: 19 of 1,613,916 alleles (0.0012%); highest among the groups gnomAD compares: East Asian, 0.027%; no homozygotes.

Submissions (3):

Labcorp Genetics (formerly Invitae), Labcorp
Classification: Uncertain significance. Last evaluated: 2025-11-15. Review status: criteria provided, single submitter. Criteria: Invitae Variant Classification Sherloc (09022015). Collection method: clinical testing. Allele origin: germline.
Comment: This sequence change replaces serine, which is neutral and polar, with proline, which is neutral and non-polar, at codon 1292 of the RP1 protein (p.Ser1292Pro). This variant is present in population databases (rs776339290, gnomAD 0.09%). This variant has not been reported in the literature in individuals affected with RP1-related conditions. ClinVar contains an entry for this variant (Variation ID: 947181). An algorithm developed to predict the effect of missense changes on protein structure and function (PolyPhen-2) suggests that this variant is likely to be tolerated. In summary, the available evidence is currently insufficient to determine the role of this variant in disease. Therefore, it has been classified as a Variant of Uncertain Significance.

Blueprint Genetics
Classification: Likely benign. Last evaluated: 2024-08-09. Review status: criteria provided, single submitter. Criteria: ACMG Guidelines, 2015. Collection method: clinical testing. Allele origin: germline.

Department of Pathology and Laboratory Medicine, Sinai Health System
Classification: Uncertain significance for Retinitis pigmentosa 1. Last evaluated: 2021-07-30. Review status: criteria provided, single submitter. Criteria: ACMG Guidelines, 2015. Collection method: research. Allele origin: germline.

NM_006269.2(RP1):c.3874T>C (p.Ser1292Pro)

Gene: RP1 (RP1 axonemal microtubule associated; plus strand). Cytogenetic location: 8q12.1.
Variant type: single nucleotide variant.
Coding change: c.3874T>C on transcript NM_006269.2 (MANE Select); coding-DNA position 3874, T replaced by C.
Protein change: p.Ser1292Pro; replaces serine 1292 with proline.
Molecular consequence: missense variant. On other transcripts: intron variant (1).
Genome position (GRCh38, 1-based): chr8:54,627,756, T>C. VCF-style: chr8-54627756-T-C. GRCh37 (hg19) VCF-style: chr8-55540316-T-C.
Other names: c.787+5468T>C (NM_001375654.1); short protein forms S1292P.
Identifiers: ClinVar variation 947181 (VCV000947181.9), dbSNP rs776339290, ClinGen allele CA4751760.
Genomic context (GRCh38, chr8:54,627,756, plus strand): 5'-GAGACATGTAACCCCAGTGACACTTTTTTTCCTAGTGATGGTTATGGTGTGGATCAGACT[T>C]CTATGAATAAGGCTTGTTTCCTAGGAGAGGTCTGTTCACTTACTGATACTGTGTTTTCTG-3'
Protein context (NP_006260.1, residues 1282-1302): PSDGYGVDQT[Ser1292Pro]MNKACFLGEV